The following is an entry in ClinVar:

ClinVar aggregate classification (germline): Uncertain significance (1 of 4 stars; one submission).

Conditions:
Hypoparathyroidism, deafness, renal disease syndrome (HDRS). Also called: HYPOPARATHYROIDISM, SENSORINEURAL DEAFNESS, AND RENAL DYSPLASIA SYNDROME. Identifiers: Orphanet 2237, MedGen C1840333, MONDO:0007797, OMIM 146255.

Submission:

Center for Human Genetics and Genomic Medicine, Uniklinik Rwth Aachen
Classification: Uncertain significance for Hypoparathyroidism, deafness, renal disease syndrome. Last evaluated: 2021-08-26. Review status: criteria provided, single submitter. Criteria: ACMG Guidelines, 2015. Collection method: clinical testing. Allele origin: unknown. Inheritance: Autosomal dominant inheritance. Affected: yes. Observed: 1 variant allele, 1 heterozygote.
Comment: The change has not yet been reported in the relevant databases (dbSNP151, gnomAD, ClinVar). From a bioinformatic point of view, the variant is assessed inconsistently as both pathogenic (MutationTas-ter) and rather benign (CADDphred 3.073). Splice predictions predict a possible effect of this variant in terms of a new acceptor splice site. The variant is classified as a "variant of uncertain clinical significance" (ACMG criteria).

NM_001002295.2(GATA3):c.273T>A (p.His91Gln)

Gene: GATA3 (GATA binding protein 3; plus strand). Cytogenetic location: 10p14.
Variant type: single nucleotide variant.
Coding change: c.273T>A on transcript NM_001002295.2 (MANE Select); coding-DNA position 273, T replaced by A.
Protein change: p.His91Gln; replaces histidine 91 with glutamine.
Molecular consequence: missense variant.
Genome position (GRCh38, 1-based): chr10:8,058,336, T>A. VCF-style: chr10-8058336-T-A. GRCh37 (hg19) VCF-style: chr10-8100299-T-A.
Other names: c.273T>A, p.His91Gln (NM_002051.3); short protein forms H91Q.
Identifiers: ClinVar variation 1210263 (VCV001210263.3), dbSNP rs2131488207, ClinGen allele CA375966874.
Genomic context (GRCh38, chr10:8,058,336, plus strand): 5'-TCTCCTGCCCTTTCCCCGTTGCCCCACAGGGAGCCAGGTGTGCCGCCCGCCTCTGCTTCA[T>A]GGATCCCTACCCTGGCTGGACGGCGGCAAAGCCCTGGGCAGCCACCACACCGCCTCCCCC-3'
Protein context (NP_001002295.1, residues 81-101): GSQVCRPPLL[His91Gln]GSLPWLDGGK